The following is an entry in ClinVar:

ClinVar aggregate classification (germline): Benign/Likely benign. Review status: criteria provided, multiple submitters, no conflicts (2 of 4 stars). 8 submissions from 8 submitters: Benign (6); Likely benign (2). Last evaluated 2026-02-04.

Conditions:
Cardiovascular phenotype. Identifiers: MedGen CN230736.
Brittle cornea syndrome 1 (BCS1). Also called: CORNEAL FRAGILITY, KERATOGLOBUS, BLUE SCLERAE, JOINT HYPEREXTENSIBILITY; EDS6B; FRAGILITAS OCULI WITH JOINT HYPEREXTENSIBILITY; DYSGENESIS MESODERMALIS CORNEAE ET SCLERAE; Corneal fragility keratoglobus, blue sclerae AND joint hypermobility. Identifiers: Orphanet 90354, MedGen C0268344, MONDO:0024543, OMIM 229200.

Allele frequency attached by ClinVar (database versions not stated): 1000 Genomes Project 0.08067; 1000 Genomes Project 30x 0.08151; gnomAD 0.09499 and 0.09509; ExAC 0.09696; TOPMed 0.09872; gnomAD exomes 0.11500.
gnomAD v4.1: 180,399 of 1,547,894 alleles (12%); highest among the groups gnomAD compares: Admixed American, 16%; 11,113 homozygotes.

Submissions (8):

Labcorp Genetics (formerly Invitae), Labcorp
Classification: Benign. Last evaluated: 2026-02-04. Review status: criteria provided, single submitter. Criteria: Invitae Variant Classification Sherloc (09022015). Collection method: clinical testing. Allele origin: germline.

Blueprint Genetics
Classification: Benign. Last evaluated: 2024-11-27. Review status: criteria provided, single submitter. Criteria: ACMG Guidelines, 2015. Collection method: clinical testing. Allele origin: germline.

Mayo Clinic Laboratories, Mayo Clinic
Classification: Benign. Last evaluated: 2022-03-20. Review status: criteria provided, single submitter. Criteria: ACMG Guidelines, 2015. Collection method: clinical testing. Allele origin: germline. Observed: 705 variant alleles.
Comment: BA1

Genome-Nilou Lab
Classification: Benign for Brittle cornea syndrome 1. Last evaluated: 2021-12-05. Review status: criteria provided, single submitter. Criteria: ACMG Guidelines, 2015. Collection method: clinical testing. Allele origin: germline. Affected: no.

Women's Health and Genetics/Laboratory Corporation of America, LabCorp
Classification: Likely benign. Last evaluated: 2021-12-03. Review status: criteria provided, single submitter. Criteria: LabCorp Variant Classification Summary - May 2015. Collection method: clinical testing. Allele origin: germline.

Ambry Genetics
Classification: Benign for Cardiovascular phenotype. Last evaluated: 2018-12-23. Review status: criteria provided, single submitter. Criteria: Ambry Variant Classification Scheme 2023. Collection method: clinical testing. Allele origin: germline.

GeneDx
Classification: Benign. Last evaluated: 2016-09-30. Review status: criteria provided, single submitter. Criteria: GeneDx Variant Classification (06012015). Collection method: clinical testing. Allele origin: germline. Affected: yes.
Comment: This variant is considered likely benign or benign based on one or more of the following criteria: it is a conservative change, it occurs at a poorly conserved position in the protein, it is predicted to be benign by multiple in silico algorithms, and/or has population frequency not consistent with disease.

Breakthrough Genomics
Classification: Likely benign. Review status: criteria provided, single submitter. Criteria: ACMG Guidelines, 2015. Collection method: not provided. Allele origin: germline. Inheritance: Autosomal recessive inheritance. Affected: yes.

NM_001367624.2(ZNF469):c.1489G>A (p.Gly497Arg)

Gene: ZNF469 (zinc finger protein 469; plus strand). Cytogenetic location: 16q24.2.
Variant type: single nucleotide variant.
Coding change: c.1489G>A on transcript NM_001367624.2 (MANE Select); coding-DNA position 1489, G replaced by A.
Protein change: p.Gly497Arg; replaces glycine 497 with arginine.
Molecular consequence: missense variant.
Genome position (GRCh38, 1-based): chr16:88,428,959, G>A. VCF-style: chr16-88428959-G-A. GRCh37 (hg19) VCF-style: chr16-88495367-G-A.
Other names: NM_001127464.1:c.1489G>A; p.Gly497Arg; short protein forms G497R.
Identifiers: ClinVar variation 320864 (VCV000320864.18), dbSNP rs28723506, ClinGen allele CA8224680.